The following is an entry in ClinVar:

NM_005633.4(SOS1):c.1858+5G>T

Gene: SOS1 (SOS Ras/Rac guanine nucleotide exchange factor 1; minus strand). Cytogenetic location: 2p22.1.
Variant type: single nucleotide variant.
Coding change: c.1858+5G>T on transcript NM_005633.4 (MANE Select); 5 bases into the intron after coding-DNA position 1858, G replaced by T.
Molecular consequence: intron variant.
Genome position (GRCh38, 1-based): chr2:39,022,565, C>A on the plus strand (G>T on the coding strand, the complement: SOS1 is on the minus strand). VCF-style: chr2-39022565-C-A. GRCh37 (hg19) VCF-style: chr2-39249706-C-A.
Other names: c.1837+5G>T (NM_001382394.1); c.1858+5G>T (NM_001382395.1).
Identifiers: ClinVar variation 1781440 (VCV001781440.2), dbSNP rs2529033727, ClinGen allele CA2580066431.

ClinVar aggregate classification (germline): Uncertain significance (1 of 4 stars; one submission).

Conditions:
Cardiovascular phenotype. Identifiers: MedGen CN230736.

Submission:

Ambry Genetics
Classification: Uncertain significance for Cardiovascular phenotype. Last evaluated: 2022-03-09. Review status: criteria provided, single submitter. Criteria: Ambry Variant Classification Scheme 2023. Collection method: clinical testing. Allele origin: germline.
Comment: The c.1858+5G>T intronic variant results from a G to T substitution 5 nucleotides after coding exon 10 in the SOS1 gene. This nucleotide position is well conserved in available vertebrate species. In silico splice site analysis predicts that this alteration will not have any significant effect on splicing. Since supporting evidence is limited at this time, the clinical significance of this alteration remains unclear.